The following is an entry in ClinVar:

ClinVar aggregate classification (germline): Uncertain significance (1 of 4 stars; one submission).

Conditions:
Hypertrophic cardiomyopathy. Also called: HYPERTROPHIC MYOCARDIOPATHY. Identifiers: Orphanet 217569, MedGen C0007194, MeSH D002312, MONDO:0005045, HP:0001639.

Submission:

All of Us Research Program, National Institutes of Health
Classification: Uncertain significance for Hypertrophic cardiomyopathy. Last evaluated: 2024-03-05. Review status: criteria provided, single submitter. Criteria: ACMG Guidelines, 2015. Collection method: clinical testing. Allele origin: germline. Inheritance: Autosomal dominant inheritance. Observed: 1 variant allele, 1 heterozygote.
Comment: This study involves interpretation of variants in research participants for the purpose of population health screening. Participant phenotype was not available at the time of variant classification. Additional details can be found in publication PMID: 35346344, PMCID: PMC8962531

NM_000432.4(MYL2):c.396_397insTCA (p.Lys132_Glu133insSer)

Gene: MYL2 (myosin light chain 2; minus strand). Cytogenetic location: 12q24.11.
Variant type: Insertion.
Coding change: c.396_397insTCA on transcript NM_000432.4 (MANE Select); coding-DNA positions 396 to 397, TCA inserted.
Protein change: p.Lys132_Glu133insSer.
Genome position: GRCh38 VCF-style: chr12-110913101-C-CTGA. GRCh37 (hg19) VCF-style: chr12-111350905-C-CTGA.
Other names: c.354_355insTCA, p.Lys118_Glu119insSer (NM_001406745.1); c.339_340insTCA, p.Lys113_Glu114insSer (NM_001406916.1).
Identifiers: ClinVar variation 3387369 (VCV003387369.1).